The following is an entry in ClinVar:

NM_001077365.2(POMT1):c.*338T>G

Gene: POMT1 (protein O-mannosyltransferase 1; plus strand). Cytogenetic location: 9q34.13.
Variant type: single nucleotide variant.
Coding change: c.*338T>G on transcript NM_001077365.2 (MANE Select); 338 bases downstream of the stop codon, T replaced by G.
Molecular consequence: 3 prime UTR variant. On other transcripts: non-coding transcript variant (10).
Genome position (GRCh38, 1-based): chr9:131,523,444, T>G. VCF-style: chr9-131523444-T-G. GRCh37 (hg19) VCF-style: chr9-134398831-T-G.
Other names: c.*338T>G (NM_001077366.2, NM_001136113.2, NM_001136114.2 and 15 more transcripts).
Identifiers: ClinVar variation 365292 (VCV000365292.29), dbSNP rs193003183, ClinGen allele CA10629167.

ClinVar aggregate classification (germline): Conflicting classifications of pathogenicity. Review status: criteria provided, conflicting classifications (1 of 4 stars). 2 submissions from 2 submitters: Uncertain significance (1); Benign (1). Last evaluated 2023-06-01.

Conditions:
Autosomal recessive limb-girdle muscular dystrophy type 2K. Also called: MUSCULAR DYSTROPHY, LIMB-GIRDLE, TYPE 2K; MUSCULAR DYSTROPHY-DYSTROGLYCANOPATHY (LIMB-GIRDLE), TYPE C, 1. Identifiers: Orphanet 86812, MedGen C1836373, MONDO:0012248, OMIM 609308.

Allele frequency attached by ClinVar (database versions not stated): gnomAD 0.00971 and 0.00913; 1000 Genomes Project 30x 0.00281; 1000 Genomes Project 0.00359; TOPMed 0.00523; gnomAD exomes 0.00963.
gnomAD v4.1: 3,424 of 363,098 alleles (0.94%); highest among the groups gnomAD compares: Non-Finnish European, 1.1%; 47 homozygotes.

Submissions (2):

CeGaT Center for Human Genetics Tuebingen
Classification: Benign. Last evaluated: 2023-06-01. Review status: criteria provided, single submitter. Criteria: CeGaT Center For Human Genetics Tuebingen Variant Classification Criteria Version 2. Collection method: clinical testing. Allele origin: germline. Affected: yes. Observed: 11 variant alleles.
Comment: POMT1: BS1, BS2

Illumina Laboratory Services, Illumina
Classification: Uncertain significance for Autosomal recessive limb-girdle muscular dystrophy type 2K. Last evaluated: 2018-01-13. Review status: criteria provided, single submitter. Criteria: ICSL Variant Classification Criteria 13 December 2019. Collection method: clinical testing. Allele origin: germline.